The following is an entry in ClinVar:

ClinVar aggregate classification (germline): Uncertain significance (1 of 4 stars; one submission).

Submission:

GeneDx
Classification: Uncertain significance. Last evaluated: 2022-07-07. Review status: criteria provided, single submitter. Criteria: GeneDx Variant Classification Process June 2021. Collection method: clinical testing. Allele origin: germline. Affected: yes.
Comment: Not observed at significant frequency in large population cohorts (gnomAD); Canonical splice site variant with an unclear effect on protein function; Has not been previously published as pathogenic or benign to our knowledge; Reported using an alternate transcript of the gene

NM_198904.4(GABRG2):c.1152_1152+6del

Gene: GABRG2 (gamma-aminobutyric acid type A receptor subunit gamma2; plus strand). Cytogenetic location: 5q34.
Variant type: Deletion.
Coding change: c.1152_1152+6del on transcript NM_198904.4 (MANE Select); coding-DNA position 1152 through 6 bases into the intron after coding-DNA position 1152, 7 bases deleted (GGTATAA; older notation c.1152_1152+6delGGTATAA).
Molecular consequence: splice donor variant. On other transcripts: intron variant (6).
Genome position (GRCh38, 1-based): chr5:162,151,753-162,151,759, GGTATAA deleted; deleting any 7 consecutive bases within chr5:162,151,751-162,151,759 gives the same sequence; the c. name uses the placement nearest the transcript's 3' end. VCF-style (leftmost placement, unchanged base first): chr5-162151750-CAAGGTAT-C. GRCh37 (hg19) VCF-style: chr5-161578756-CAAGGTAT-C.
Other names: c.844-1340_844-1334del (NM_001375349.1); c.1249-1340_1249-1334del (NM_001375343.1); c.1191_1191+6del (NM_001375344.1); c.946_946+6del (NM_001375340.1); c.1149_1149+6del (NM_001375341.1); c.1126-1340_1126-1334del (NM_001375342.1); c.732_732+6del (NM_001375350.1); c.709-1340_709-1334del (NM_001375348.1); and 6 more.
Identifiers: ClinVar variation 1810709 (VCV001810709.1), dbSNP rs2532767283, ClinGen allele CA2580074005.
Genomic context (GRCh38, chr5:162,151,750, plus strand): 5'-AAAACAAATGCAATTCTCTTTTCTGTCTACAAACCCAAAGCTTCTTCGGATGTTTTCCTT[CAAGGTAT>C]AATGTTTTTGGAATGGAAATTCACTGCATGCAACTGCTAAATTTAACTATTAATGCTTAC-3'